The following is an entry in ClinVar:

ClinVar aggregate classification (germline): Uncertain significance (1 of 4 stars; one submission).

Conditions:
Hereditary spastic paraplegia 75. Also called: Spastic paraplegia 75, autosomal recessive. Identifiers: Orphanet 459056, MedGen C4225250, MONDO:0014729, OMIM 616680.

Allele frequency attached by ClinVar (database versions not stated): gnomAD exomes below 0.00001.
gnomAD v4.1: 3 of 1,613,990 alleles (0.00019%); highest among the groups gnomAD compares: Non-Finnish European, 0.00017%; no homozygotes.

Submission:

Labcorp Genetics (formerly Invitae), Labcorp
Classification: Uncertain significance for Hereditary spastic paraplegia 75. Last evaluated: 2021-12-10. Review status: criteria provided, single submitter. Criteria: Invitae Variant Classification Sherloc (09022015). Collection method: clinical testing. Allele origin: germline.
Comment: This sequence change replaces arginine, which is basic and polar, with cysteine, which is neutral and slightly polar, at codon 90 of the MAG protein (p.Arg90Cys). This variant is not present in population databases (gnomAD no frequency). This variant has not been reported in the literature in individuals affected with MAG-related conditions. Algorithms developed to predict the effect of missense changes on protein structure and function are either unavailable or do not agree on the potential impact of this missense change (SIFT: "Deleterious"; PolyPhen-2: "Benign"; Align-GVGD: "Class C25"). In summary, the available evidence is currently insufficient to determine the role of this variant in disease. Therefore, it has been classified as a Variant of Uncertain Significance.

NM_002361.4(MAG):c.268C>T (p.Arg90Cys)

Gene: MAG (myelin associated glycoprotein; plus strand). Cytogenetic location: 19q13.12.
Variant type: single nucleotide variant.
Coding change: c.268C>T on transcript NM_002361.4 (MANE Select); coding-DNA position 268, C replaced by T.
Protein change: p.Arg90Cys; replaces arginine 90 with cysteine.
Molecular consequence: missense variant.
Genome position (GRCh38, 1-based): chr19:35,295,834, C>T. VCF-style: chr19-35295834-C-T. GRCh37 (hg19) VCF-style: chr19-35786737-C-T.
Other names: c.193C>T, p.Arg65Cys (NM_001199216.2); c.268C>T, p.Arg90Cys (NM_080600.3); short protein forms R65C, R90C.
Identifiers: ClinVar variation 2199940 (VCV002199940.4), dbSNP rs544971911, ClinGen allele CA307750096.